The following is an entry in ClinVar:

NM_001211.6(BUB1B):c.1688C>A (p.Thr563Asn)

Gene: BUB1B (BUB1 mitotic checkpoint serine/threonine kinase B; plus strand). Cytogenetic location: 15q15.1.
Variant type: single nucleotide variant.
Coding change: c.1688C>A on transcript NM_001211.6 (MANE Select); coding-DNA position 1688, C replaced by A.
Protein change: p.Thr563Asn; replaces threonine 563 with asparagine.
Molecular consequence: missense variant.
Genome position (GRCh38, 1-based): chr15:40,202,648, C>A. VCF-style: chr15-40202648-C-A. GRCh37 (hg19) VCF-style: chr15-40494849-C-A.
Other names: short protein forms T563N.
Identifiers: ClinVar variation 1778053 (VCV001778053.5), dbSNP rs2542559473, ClinGen allele CA391691650.

ClinVar aggregate classification (germline): Uncertain significance. Review status: criteria provided, multiple submitters, no conflicts (2 of 4 stars). 2 submissions from 2 submitters: Uncertain significance (2). Last evaluated 2023-05-04.

Conditions:
Mosaic variegated aneuploidy syndrome 1 (MVA1). Also called: Warburton-Anyane-Yeboa syndrome. Identifiers: Orphanet 1052, MedGen C1850343, MONDO:0009759, OMIM 257300.
Inborn genetic diseases. Identifiers: MedGen C0950123, MeSH D030342.

Submissions (2):

Labcorp Genetics (formerly Invitae), Labcorp
Classification: Uncertain significance for Mosaic variegated aneuploidy syndrome 1. Last evaluated: 2023-05-04. Review status: criteria provided, single submitter. Criteria: Invitae Variant Classification Sherloc (09022015). Collection method: clinical testing. Allele origin: germline.
Comment: An algorithm developed to predict the effect of missense changes on protein structure and function (PolyPhen-2) suggests that this variant is likely to be tolerated. ClinVar contains an entry for this variant (Variation ID: 1778053). This variant has not been reported in the literature in individuals affected with BUB1B-related conditions. This variant is not present in population databases (gnomAD no frequency). This sequence change replaces threonine, which is neutral and polar, with asparagine, which is neutral and polar, at codon 563 of the BUB1B protein (p.Thr563Asn). In summary, the available evidence is currently insufficient to determine the role of this variant in disease. Therefore, it has been classified as a Variant of Uncertain Significance.

Ambry Genetics
Classification: Uncertain significance for Inborn genetic diseases. Last evaluated: 2022-03-01. Review status: criteria provided, single submitter. Criteria: Ambry Variant Classification Scheme 2023. Collection method: clinical testing. Allele origin: germline.
Comment: The p.T563N variant (also known as c.1688C>A), located in coding exon 14 of the BUB1B gene, results from a C to A substitution at nucleotide position 1688. The threonine at codon 563 is replaced by asparagine, an amino acid with similar properties. This amino acid position is conserved. In addition, this alteration is predicted to be tolerated by in silico analysis. Since supporting evidence is limited at this time, the clinical significance of this alteration remains unclear.